The following is an entry in ClinVar:

ClinVar aggregate classification (germline): Uncertain significance (3 of 4 stars; one submission).

Conditions:
Phenylketonuria (PKU). Also called: FOLLING DISEASE; Phenylketonuria (PKU); OLIGOPHRENIA PHENYLPYRUVICA; Phenylketonurias. Identifiers: Orphanet 716, MedGen C0031485, MONDO:0009861, OMIM 261600. Disease mechanism: loss of function.

Submission:

ClinGen PAH Variant Curation Expert Panel
Classification: Uncertain significance for Phenylketonuria. Last evaluated: 2019-07-14. Review status: reviewed by expert panel. Criteria: ClinGen PAH ACMG Specifications v1. Collection method: curation. Allele origin: germline. Inheritance: Autosomal recessive inheritance.
Comment: A change to glycine at the same codon has been observed associated with phenylketonuria. This variant is absent from 1000G, ESP, and gnomAD databases. A deleterious effect is predicted in SIFT, Polyphen-2, MutationTaster, and REVEL=0.949. In summary, this variant meets criteria to be classified as uncertain significance for PAH. PAH-specific ACMG/AMP criteria applied: PP3, PM2, PP4_moderate.

NM_000277.3(PAH):c.886G>C (p.Asp296His)

Genes: PAH (phenylalanine hydroxylase; minus strand), LOC126861615 (CDK7 strongly-dependent group 2 enhancer GRCh37_chr12:103244689-103245888; plus strand). Cytogenetic location: 12q23.2.
Variant type: single nucleotide variant.
Coding change: c.886G>C on transcript NM_000277.3 (MANE Select); coding-DNA position 886, G replaced by C.
Protein change: p.Asp296His; replaces aspartic acid 296 with histidine.
Molecular consequence: missense variant.
Genome position (GRCh38, 1-based): chr12:102,851,713, C>G on the plus strand (G>C on the coding strand, the complement: PAH is on the minus strand). VCF-style: chr12-102851713-C-G. GRCh37 (hg19) VCF-style: chr12-103245491-C-G.
Other names: c.886G>C, p.Asp296His (NM_001354304.2); short protein forms D296H.
Identifiers: ClinVar variation 805822 (VCV000805822.1), dbSNP rs765934604, ClinGen allele CA16020885.